The following is an entry in ClinVar:

NM_024753.5(TTC21B):c.3505A>T (p.Ile1169Phe)

Gene: TTC21B (tetratricopeptide repeat domain 21B; minus strand). Cytogenetic location: 2q24.3.
Variant type: single nucleotide variant.
Coding change: c.3505A>T on transcript NM_024753.5 (MANE Select); coding-DNA position 3505, A replaced by T.
Protein change: p.Ile1169Phe; replaces isoleucine 1169 with phenylalanine.
Molecular consequence: missense variant.
Genome position (GRCh38, 1-based): chr2:165,883,973, T>A on the plus strand (A>T on the coding strand, the complement: TTC21B is on the minus strand). VCF-style: chr2-165883973-T-A. GRCh37 (hg19) VCF-style: chr2-166740483-T-A.
Other names: short protein forms I1169F.
Identifiers: ClinVar variation 1951451 (VCV001951451.4), dbSNP rs1305654936, ClinGen allele CA349047213.
Genomic context (GRCh38, chr2:165,883,973, plus strand): 5'-TCCAATTCATTTTCGCAATACGCTTCAGCTGGTTTCTGGCTCGTGGAGTCTGTTTCAAGA[T>A]CATATAAGCCGTTGCCATTCCCAAGAGCGCTGGGATATGCTCCTTCTATAAGAAAACAAA-3'
Protein context (NP_079029.3, residues 1159-1179): ALLGMATAYM[Ile1169Phe]LKQTPRARNQ

ClinVar aggregate classification (germline): Uncertain significance (1 of 4 stars; one submission).

Conditions:
Jeune thoracic dystrophy. Also called: Jeune syndrome; Infantile thoracic dystrophy; Thoracic pelvic phalangeal dystrophy; Jeune's syndrome; Chondroectodermal dysplasia-like syndrome; Short-rib thoracic dysplasia. Identifiers: Orphanet 474, MedGen C0265275, MONDO:0018770.
Nephronophthisis. Also called: Juvenile Nephronophthisis. Identifiers: Orphanet 655, MedGen C0687120, MONDO:0019005, HP:0000090.

Submission:

Labcorp Genetics (formerly Invitae), Labcorp
Classification: Uncertain significance for Jeune thoracic dystrophy; Nephronophthisis. Last evaluated: 2024-10-30. Review status: criteria provided, single submitter. Criteria: Invitae Variant Classification Sherloc (09022015). Collection method: clinical testing. Allele origin: germline.
Comment: This sequence change replaces isoleucine, which is neutral and non-polar, with phenylalanine, which is neutral and non-polar, at codon 1169 of the TTC21B protein (p.Ile1169Phe). This variant is not present in population databases (gnomAD no frequency). This variant has not been reported in the literature in individuals affected with TTC21B-related conditions. ClinVar contains an entry for this variant (Variation ID: 1951451). Invitae Evidence Modeling of protein sequence and biophysical properties (such as structural, functional, and spatial information, amino acid conservation, physicochemical variation, residue mobility, and thermodynamic stability) indicates that this missense variant is not expected to disrupt TTC21B protein function with a negative predictive value of 95%. In summary, the available evidence is currently insufficient to determine the role of this variant in disease. Therefore, it has been classified as a Variant of Uncertain Significance.